The following is an entry in ClinVar:

NM_005228.5(EGFR):c.560-2A>G

Gene: EGFR (epidermal growth factor receptor; plus strand). Cytogenetic location: 7p11.2.
Variant type: single nucleotide variant.
Coding change: c.560-2A>G on transcript NM_005228.5 (MANE Select); the canonical splice acceptor site of the intron before coding-DNA position 560, A replaced by G.
Molecular consequence: splice acceptor variant. On other transcripts: intron variant (1).
Genome position (GRCh38, 1-based): chr7:55,151,292, A>G. VCF-style: chr7-55151292-A-G. GRCh37 (hg19) VCF-style: chr7-55218985-A-G.
Other names: c.425-2A>G (NM_001346899.2, NM_001346897.2); c.89-4538A>G (NM_001346941.2); c.560-2A>G (NM_001346898.2, NM_201284.2, NM_201282.2 and 1 more transcripts); c.401-2A>G (NM_001346900.2).
Identifiers: ClinVar variation 5035828 (VCV005035828.1).
Genomic context (GRCh38, chr7:55,151,292, plus strand): 5'-AAGGGCGTCATCAGTTTCTCATCATTTCACTGAGATATGCATCTATTACTTTTACATTTC[A>G]GGCCAAAAGTGTGATCCAAGCTGTCCCAATGGGAGCTGCTGGGGTGCAGGAGAGGAGAAC-3'

ClinVar aggregate classification (germline): Uncertain significance (1 of 4 stars; one submission).

Conditions:
Hereditary cancer-predisposing syndrome. Also called: Hereditary Cancer Syndrome; Neoplastic Syndromes, Hereditary; Tumor predisposition; Hereditary neoplastic syndrome. Identifiers: Orphanet 140162, MedGen C0027672, MeSH D009386, MONDO:0015356.

Submission:

Ambry Genetics
Classification: Uncertain significance for Hereditary cancer-predisposing syndrome. Last evaluated: 2026-09-01. Review status: criteria provided, single submitter. Criteria: Ambry Variant Classification Scheme 2023. Collection method: clinical testing. Allele origin: germline.
Comment: The c.560-2A>G intronic variant results from an A to G substitution two nucleotides upstream from coding exon 5 in the EGFR gene. Variants that disrupt the canonical splice site are expected to result in aberrant splicing. In silico splice site analysis predicts that this alteration will weaken the native splice acceptor site. A resulting transcript is predicted to be in-frame and is not expected to trigger nonsense-mediated mRNAdecay; although, direct evidence is unavailable. This nucleotide position is highly conserved in available vertebrate species. Based on the available evidence, the clinical significance of this variant remains unclear.